The following is an entry in ClinVar:

NM_000016.6(ACADM):c.217-1del

Gene: ACADM (acyl-CoA dehydrogenase medium chain; plus strand). Cytogenetic location: 1p31.1.
Variant type: Deletion.
Coding change: c.217-1del on transcript NM_000016.6 (MANE Select); the canonical splice acceptor site of the intron before coding-DNA position 217, one base deleted (G; older notation c.217-1delG).
Molecular consequence: splice acceptor variant.
Genome position (GRCh38, 1-based): chr1:75,732,852, G deleted. VCF-style (leftmost placement, unchanged base first): chr1-75732851-AG-A. GRCh37 (hg19) VCF-style: chr1-76198536-AG-A.
Other names: c.229-1del (NM_001127328.3); c.217-1del (NM_001286043.2); c.109-1del (NM_001286042.2); c.-169-1del (NM_001286044.2); c.217-1delG (NM_000016.5).
Identifiers: ClinVar variation 2679921 (VCV002679921.2), dbSNP rs2525573834, ClinGen allele CA2646247034.

ClinVar aggregate classification (germline): Likely pathogenic. Review status: criteria provided, multiple submitters, no conflicts (2 of 4 stars). 2 submissions from 2 submitters: Likely pathogenic (2). Last evaluated 2025-08-05.

Conditions:
Medium-chain acyl-coenzyme A dehydrogenase deficiency (ACADMD). Also called: MCADH DEFICIENCY; MCADD; ACADM DEFICIENCY; CARNITINE DEFICIENCY SECONDARY TO MEDIUM-CHAIN ACYL-CoA DEHYDROGENASE DEFICIENCY; MCAD Deficiency; Medium chain acyl-CoA dehydrogenase deficiency. Identifiers: Orphanet 42, MedGen C0220710, MONDO:0008721, OMIM 201450.

Allele frequency attached by ClinVar (database versions not stated): gnomAD exomes below 0.00001.

Submissions (2):

Natera, Inc.
Classification: Likely pathogenic for Medium Chain Acyl-CoA Dehydrogenase Deficiency. Last evaluated: 2025-08-05. Review status: criteria provided, single submitter. Criteria: Natera Variant Classification Schema (03/2026). Collection method: clinical testing. Allele origin: germline.
Comment: The c.217-1delG variant in ACADM is a canonical splice acceptor site variant predicted to affect pre-mRNA splicing, which may result in an abnormal transcript and altered protein product. This variant is expected to result in nonsense mediated decay, truncation, or a dysfunctional protein product. This variant is rare in the general population with a frequency below the threshold expected for the associated phenotype(s). Given the available evidence, this variant is classified as Likely Pathogenic.

Baylor Genetics
Classification: Likely pathogenic for Medium-chain acyl-coenzyme A dehydrogenase deficiency. Last evaluated: 2023-04-18. Review status: criteria provided, single submitter. Criteria: ACMG Guidelines, 2015. Collection method: clinical testing. Allele origin: unknown.